The following is an entry in ClinVar:

ClinVar aggregate classification (germline): Uncertain significance (1 of 4 stars; one submission).

Conditions:
Cardiovascular phenotype. Identifiers: MedGen CN230736.

Submission:

Ambry Genetics
Classification: Uncertain significance for Cardiovascular phenotype. Last evaluated: 2026-07-01. Review status: criteria provided, single submitter. Criteria: Ambry Variant Classification Scheme 2023. Collection method: clinical testing. Allele origin: germline.
Comment: The p.K4071N variant (also known as c.12213A>C), located in coding exon 29 of the APOB gene, results from an A to C substitution at nucleotide position 12213. The lysine at codon 4071 is replaced by asparagine, an amino acid with similar properties. This amino acid position is conserved. In addition, this alteration is predicted to be tolerated by in silico analysis. Based on the available evidence, the clinical significance of this variant remains unclear.

NM_000384.3(APOB):c.12213A>C (p.Lys4071Asn)

Gene: APOB (apolipoprotein B; minus strand). Cytogenetic location: 2p24.1.
Variant type: single nucleotide variant.
Coding change: c.12213A>C on transcript NM_000384.3 (MANE Select); coding-DNA position 12213, A replaced by C.
Protein change: p.Lys4071Asn; replaces lysine 4071 with asparagine.
Molecular consequence: missense variant.
Genome position (GRCh38, 1-based): chr2:21,003,209, T>G on the plus strand (A>C on the coding strand, the complement: APOB is on the minus strand). VCF-style: chr2-21003209-T-G. GRCh37 (hg19) VCF-style: chr2-21226081-T-G.
Other names: short protein forms K4071N.
Identifiers: ClinVar variation 5027026 (VCV005027026.1).